The following is an entry in ClinVar:

ClinVar aggregate classification (germline): Pathogenic (1 of 4 stars; one submission).

Submission:

GeneDx
Classification: Pathogenic. Last evaluated: 2026-04-16. Review status: criteria provided, single submitter. Criteria: GeneDx Variant Classification Process June 2021. Collection method: clinical testing. Allele origin: germline.
Comment: Frameshift variant predicted to result in protein truncation or nonsense mediated decay in a gene for which loss of function is a known mechanism of disease; Not observed at significant frequency in large population cohorts (gnomAD); Has not been previously published as pathogenic or benign to our knowledge

NM_012141.3(INTS6):c.688_695dup (p.Ile233fs)

Gene: INTS6 (integrator complex subunit 6; minus strand). Cytogenetic location: 13q14.3.
Variant type: Duplication.
Coding change: c.688_695dup on transcript NM_012141.3 (MANE Select); coding-DNA positions 688 to 695, 8 bases duplicated (GGGGTGGT; older notation c.688_695dupGGGGTGGT).
Protein change: p.Ile233fs; shifts the reading frame from isoleucine 233.
Molecular consequence: frameshift variant.
Genome position (GRCh38, 1-based): chr13:51,389,363-51,389,370, ACCACCCC duplicated on the plus strand (GGGGTGGT on the coding strand, the reverse complement: INTS6 is on the minus strand); duplicating any 8 consecutive bases within chr13:51,389,363-51,389,372 gives the same sequence; the c. name uses the placement nearest the transcript's 3' end. VCF-style (leftmost placement, unchanged base first): chr13-51389362-T-TACCACCCC. GRCh37 (hg19) VCF-style: chr13-51963498-T-TACCACCCC.
Other names: c.649_656dup, p.Ile220fs (NM_001039937.2); c.154_161dup, p.Ile55fs (NM_001306091.2); short protein forms I220fs, I233fs, I55fs.
Identifiers: ClinVar variation 4529726 (VCV004529726.2).